The following is an entry in ClinVar:

ClinVar aggregate classification (germline): Benign/Likely benign. Review status: criteria provided, multiple submitters, no conflicts (2 of 4 stars). 2 submissions from 2 submitters: Benign (1); Likely benign (1). Last evaluated 2023-06-03.

Submissions (2):

Labcorp Genetics (formerly Invitae), Labcorp
Classification: Benign. Last evaluated: 2023-06-03. Review status: criteria provided, single submitter. Criteria: Invitae Variant Classification Sherloc (09022015). Collection method: clinical testing. Allele origin: germline.

GeneDx
Classification: Likely benign. Last evaluated: 2018-05-08. Review status: criteria provided, single submitter. Criteria: GeneDx Variant Classification (06012015). Collection method: clinical testing. Allele origin: germline. Affected: yes.
Comment: This variant is considered likely benign or benign based on one or more of the following criteria: it is a conservative change, it occurs at a poorly conserved position in the protein, it is predicted to be benign by multiple in silico algorithms, and/or has population frequency not consistent with disease.

NM_018699.4(PRDM5):c.946-5del

Gene: PRDM5 (PR/SET domain 5; minus strand). Cytogenetic location: 4q27.
Variant type: Deletion.
Coding change: c.946-5del on transcript NM_018699.4 (MANE Select); 5 bases into the intron before coding-DNA position 946, one base deleted (T; older notation c.946-5delT).
Molecular consequence: intron variant.
Genome position (GRCh38, 1-based): chr4:120,799,750, A deleted on the plus strand (T on the coding strand, the reverse complement: PRDM5 is on the minus strand); the first of 4 consecutive A bases (chr4:120,799,750-120,799,753); deleting any one gives the same sequence. VCF-style (leftmost placement, unchanged base first): chr4-120799749-CA-C. GRCh37 (hg19) VCF-style: chr4-121720904-CA-C.
Other names: c.853-5del (NM_001300824.2, NM_001379106.1, NM_001300823.2); c.946-5del (NM_001379104.1).
Identifiers: ClinVar variation 668241 (VCV000668241.4), dbSNP rs1578781216, ClinGen allele CA915943200.
Genomic context (GRCh38, chr4:120,799,749, plus strand): 5'-CTGATTAGCTGAAATAAATTTCTTCATACATTCTTGACAATCAAATATCTCATGAATCTG[CA>C]AAAGGTTAAATAGACAGTTAAATCAACTGTCAAAGCCTAGTAAATTACACAGCTCTCAAG-3'